The following is an entry in ClinVar:

NM_016151.4(TAOK2):c.3632G>A (p.Arg1211His)

Gene: TAOK2 (TAO kinase 2; plus strand). Cytogenetic location: 16p11.2.
Variant type: single nucleotide variant.
Coding change: c.3632G>A on transcript NM_016151.4 (MANE Select); coding-DNA position 3632, G replaced by A.
Protein change: p.Arg1211His; replaces arginine 1211 with histidine.
Molecular consequence: missense variant. On other transcripts: intron variant (1).
Genome position (GRCh38, 1-based): chr16:29,987,904, G>A. VCF-style: chr16-29987904-G-A. GRCh37 (hg19) VCF-style: chr16-29999225-G-A.
Other names: c.3293G>A, p.Arg1098His (NM_001252043.2); c.2232+1400G>A (NM_004783.4); c.3632G>A (NM_016151.3); short protein forms R1098H, R1211H.
Identifiers: ClinVar variation 1167694 (VCV001167694.12), dbSNP rs11864149, ClinGen allele CA7998616.

ClinVar aggregate classification (germline): Benign. Review status: criteria provided, multiple submitters, no conflicts (2 of 4 stars). 3 submissions from 3 submitters: Benign (2). 1 of the submissions does not count toward it. Last evaluated 2026-02-03.

Conditions:
TAOK2-related disorder. Also called: TAOK2-related condition.

Allele frequency attached by ClinVar (database versions not stated): 1000 Genomes Project 0.07348; ESP Exome Variant Server 0.08356; gnomAD 0.08873 and 0.09236; TOPMed 0.09797; ExAC 0.07767; 1000 Genomes Project 30x 0.07433.

Submissions (3):

Labcorp Genetics (formerly Invitae), Labcorp
Classification: Benign. Last evaluated: 2026-02-03. Review status: criteria provided, single submitter. Criteria: Invitae Variant Classification Sherloc (09022015). Collection method: clinical testing. Allele origin: germline.

Breakthrough Genomics
Classification: Benign. Review status: criteria provided, single submitter. Criteria: ACMG Guidelines, 2015. Collection method: not provided. Allele origin: germline. Inheritance: Unknown mechanism. Affected: yes.

PreventionGenetics, part of Exact Sciences
Classification: Benign for TAOK2-related condition. Last evaluated: 2019-10-29. Review status: no assertion criteria provided. Collection method: clinical testing. Allele origin: germline. Not counted in ClinVar's aggregate classification.
Comment: This variant is classified as benign based on ACMG/AMP sequence variant interpretation guidelines (Richards et al. 2015 PMID: 25741868, with internal and published modifications).